The following is an entry in ClinVar:

ClinVar aggregate classification (germline): Uncertain significance (1 of 4 stars; one submission).

Allele frequency attached by ClinVar (database versions not stated): gnomAD exomes below 0.00001; TOPMed below 0.00001.
gnomAD v4.1: 1 of 1,614,152 alleles (0.000062%); highest among the groups gnomAD compares: Admixed American, 0.0017%; no homozygotes.

Submission:

Labcorp Genetics (formerly Invitae), Labcorp
Classification: Uncertain significance. Last evaluated: 2021-11-26. Review status: criteria provided, single submitter. Criteria: Invitae Variant Classification Sherloc (09022015). Collection method: clinical testing. Allele origin: germline.
Comment: This variant has not been reported in the literature in individuals affected with ANTXR1-related conditions. Algorithms developed to predict the effect of missense changes on protein structure and function are either unavailable or do not agree on the potential impact of this missense change (SIFT: "Tolerated"; PolyPhen-2: "Probably Damaging"; Align-GVGD: "Class C0"). This variant is present in population databases (no rsID available, gnomAD 0.003%). This sequence change replaces proline, which is neutral and non-polar, with leucine, which is neutral and non-polar, at codon 356 of the ANTXR1 protein (p.Pro356Leu). In summary, the available evidence is currently insufficient to determine the role of this variant in disease. Therefore, it has been classified as a Variant of Uncertain Significance.

NM_032208.3(ANTXR1):c.1067C>T (p.Pro356Leu)

Gene: ANTXR1 (ANTXR cell adhesion molecule 1; plus strand). Cytogenetic location: 2p13.3.
Variant type: single nucleotide variant.
Coding change: c.1067C>T on transcript NM_032208.3 (MANE Select); coding-DNA position 1067, C replaced by T.
Protein change: p.Pro356Leu; replaces proline 356 with leucine.
Molecular consequence: missense variant.
Genome position (GRCh38, 1-based): chr2:69,170,267, C>T. VCF-style: chr2-69170267-C-T. GRCh37 (hg19) VCF-style: chr2-69397399-C-T.
Other names: c.1067C>T, p.Pro356Leu (NM_053034.2); short protein forms P356L.
Identifiers: ClinVar variation 1440919 (VCV001440919.6), dbSNP rs1271409204, ClinGen allele CA347125828.